The following is an entry in ClinVar:

NM_006343.3(MERTK):c.231C>T (p.Asn77=)

Gene: MERTK (MER proto-oncogene, tyrosine kinase; plus strand). Cytogenetic location: 2q13.
Variant type: single nucleotide variant.
Coding change: c.231C>T on transcript NM_006343.3 (MANE Select); coding-DNA position 231, C replaced by T.
Protein change: p.Asn77=; no amino-acid change (asparagine 77 retained).
Molecular consequence: synonymous variant.
Genome position (GRCh38, 1-based): chr2:111,929,289, C>T. VCF-style: chr2-111929289-C-T. GRCh37 (hg19) VCF-style: chr2-112686866-C-T.
Identifiers: ClinVar variation 773843 (VCV000773843.15), dbSNP rs137909193, ClinGen allele CA1831001.

ClinVar aggregate classification (germline): Benign/Likely benign. Review status: criteria provided, multiple submitters, no conflicts (2 of 4 stars). 4 submissions from 4 submitters: Benign (2); Likely benign (1). 1 of the submissions does not count toward it. Last evaluated 2025-12-15.

Conditions:
MERTK-related disorder. Also called: MERTK-related condition.

Allele frequency attached by ClinVar (database versions not stated): gnomAD exomes 0.00017 and 0.00039; ExAC 0.00052; ESP Exome Variant Server 0.00115; gnomAD 0.00158 and 0.00169; TOPMed 0.00187; 1000 Genomes Project 0.00200; 1000 Genomes Project 30x 0.00219.
gnomAD v4.1: 497 of 1,614,228 alleles (0.031%); highest among the groups gnomAD compares: African/African-American, 0.53%; 3 homozygotes.

Submissions (4):

Labcorp Genetics (formerly Invitae), Labcorp
Classification: Benign. Last evaluated: 2025-12-15. Review status: criteria provided, single submitter. Criteria: Invitae Variant Classification Sherloc (09022015). Collection method: clinical testing. Allele origin: germline.

Blueprint Genetics
Classification: Likely benign. Last evaluated: 2024-05-09. Review status: criteria provided, single submitter. Criteria: ACMG Guidelines, 2015. Collection method: clinical testing. Allele origin: germline.

Breakthrough Genomics
Classification: Benign. Review status: criteria provided, single submitter. Criteria: ACMG Guidelines, 2015. Collection method: not provided. Allele origin: germline. Inheritance: Autosomal recessive inheritance. Affected: yes.

PreventionGenetics, part of Exact Sciences
Classification: Likely benign for MERTK-related condition. Last evaluated: 2019-10-31. Review status: no assertion criteria provided. Collection method: clinical testing. Allele origin: germline. Not counted in ClinVar's aggregate classification.
Comment: This variant is classified as likely benign based on ACMG/AMP sequence variant interpretation guidelines (Richards et al. 2015 PMID: 25741868, with internal and published modifications).